The following is an entry in ClinVar:

ClinVar aggregate classification (germline): Pathogenic (1 of 4 stars; one submission).

Allele frequency attached by ClinVar (database versions not stated): TOPMed below 0.00001; gnomAD exomes 0.00001.
gnomAD v4.1: 7 of 1,613,474 alleles (0.00043%); highest among the groups gnomAD compares: Non-Finnish European, 0.00059%; no homozygotes.

Submission:

Labcorp Genetics (formerly Invitae), Labcorp
Classification: Pathogenic. Last evaluated: 2022-09-22. Review status: criteria provided, single submitter. Criteria: Invitae Variant Classification Sherloc (09022015). Collection method: clinical testing. Allele origin: germline.
Comment: This variant is not present in population databases (gnomAD no frequency). This sequence change creates a premature translational stop signal (p.Glu825*) in the PCNT gene. It is expected to result in an absent or disrupted protein product. Loss-of-function variants in PCNT are known to be pathogenic (PMID: 18174396, 22821869). This premature translational stop signal has been observed in individual(s) with PCNT-related conditions (PMID: 21270239). For these reasons, this variant has been classified as Pathogenic.

Literature cited by the submitters: PubMed 18174396; PubMed 22821869; PubMed 21270239.

NM_006031.6(PCNT):c.2473G>T (p.Glu825Ter)

Gene: PCNT (pericentrin; plus strand). Cytogenetic location: 21q22.3.
Variant type: single nucleotide variant.
Coding change: c.2473G>T on transcript NM_006031.6 (MANE Select); coding-DNA position 2473, G replaced by T.
Protein change: p.Glu825Ter; replaces glutamic acid 825 with a stop codon.
Molecular consequence: nonsense.
Genome position (GRCh38, 1-based): chr21:46,363,798, G>T. VCF-style: chr21-46363798-G-T. GRCh37 (hg19) VCF-style: chr21-47783713-G-T.
Other names: c.2119G>T, p.Glu707Ter (NM_001315529.2); short protein forms E707*, E825*.
Identifiers: ClinVar variation 2138410 (VCV002138410.4), dbSNP rs2084801170, ClinGen allele CA410567997.